The following is an entry in ClinVar:

ClinVar aggregate classification (germline): Uncertain significance (1 of 4 stars; one submission).

Conditions:
Familial adenomatous polyposis 1 (FAP1). Also called: FAMILIAL ADENOMATOUS POLYPOSIS 1, ATTENUATED; POLYPOSIS, ADENOMATOUS INTESTINAL. Identifiers: MedGen C2713442, MONDO:0021056, OMIM 175100. Disease mechanism: loss of function.

gnomAD v4.1: 1 of 1,614,002 alleles (0.000062%); no homozygotes.

Submission:

Labcorp Genetics (formerly Invitae), Labcorp
Classification: Uncertain significance for Familial adenomatous polyposis 1. Last evaluated: 2024-12-02. Review status: criteria provided, single submitter. Criteria: Invitae Variant Classification Sherloc (09022015). Collection method: clinical testing. Allele origin: germline.
Comment: This sequence change replaces arginine, which is basic and polar, with serine, which is neutral and polar, at codon 2228 of the APC protein (p.Arg2228Ser). This variant is not present in population databases (gnomAD no frequency). This variant has not been reported in the literature in individuals affected with APC-related conditions. Invitae Evidence Modeling of protein sequence and biophysical properties (such as structural, functional, and spatial information, amino acid conservation, physicochemical variation, residue mobility, and thermodynamic stability) indicates that this missense variant is not expected to disrupt APC protein function with a negative predictive value of 95%. In summary, the available evidence is currently insufficient to determine the role of this variant in disease. Therefore, it has been classified as a Variant of Uncertain Significance.

NM_000038.6(APC):c.6684G>C (p.Arg2228Ser)

Gene: APC (APC regulator of Wnt signaling pathway; plus strand). Cytogenetic location: 5q22.2.
Variant type: single nucleotide variant.
Coding change: c.6684G>C on transcript NM_000038.6 (MANE Select); coding-DNA position 6684, G replaced by C.
Protein change: p.Arg2228Ser; replaces arginine 2228 with serine.
Molecular consequence: missense variant. On other transcripts: non-coding transcript variant (2).
Genome position (GRCh38, 1-based): chr5:112,842,278, G>C. VCF-style: chr5-112842278-G-C. GRCh37 (hg19) VCF-style: chr5-112177975-G-C.
Other names: c.6684G>C, p.Arg2228Ser (NM_001127510.3, NM_001354895.2, NM_001407450.1); c.6630G>C, p.Arg2210Ser (NM_001127511.3); c.6738G>C, p.Arg2246Ser (NM_001354896.2, NM_001407447.1, NM_001407448.1 and 1 more transcripts); c.6714G>C, p.Arg2238Ser (NM_001354897.2); c.6609G>C, p.Arg2203Ser (NM_001354898.2); c.6600G>C, p.Arg2200Ser (NM_001354899.2); c.6561G>C, p.Arg2187Ser (NM_001354900.2); c.6507G>C, p.Arg2169Ser (NM_001354901.2, NM_001407453.1); and 11 more; short protein forms R1844S, R1945S, R2068S, R2099S, R2102S, R2127S, R2137S, R2145S.
Identifiers: ClinVar variation 3608667 (VCV003608667.2).